The following is an entry in ClinVar:

NC_000002.11:g.(?_47132602)_(47206066_?)dup

Genes: MCFD2 (multiple coagulation factor deficiency 2, ER cargo receptor complex subunit; minus strand), TTC7A (tetratricopeptide repeat domain 7A; plus strand). Cytogenetic location: 2p21.
Variant type: Duplication.
Identifiers: ClinVar variation 2426557 (VCV002426557.5).

ClinVar aggregate classification (germline): Uncertain significance (1 of 4 stars; one submission).

Conditions:
Multiple gastrointestinal atresias. Also called: FAMILIAL INTESTINAL POLYATRESIA SYNDROME; Multiple intestinal atresia. Identifiers: Orphanet 2300, MedGen C0220744, MONDO:0009465.

Submission:

Labcorp Genetics (formerly Invitae), Labcorp
Classification: Uncertain significance for Multiple gastrointestinal atresias. Last evaluated: 2021-12-27. Review status: criteria provided, single submitter. Criteria: Invitae Variant Classification Sherloc (09022015). Collection method: clinical testing. Allele origin: germline.
Comment: In summary, the available evidence is currently insufficient to determine the role of this variant in disease. Therefore, it has been classified as a Variant of Uncertain Significance. Experimental studies and prediction algorithms are not available or were not evaluated, and the functional significance of this variant is currently unknown. This variant has not been reported in the literature in individuals affected with TTC7A-related conditions. This variant results in a copy number gain of the genomic region encompassing exon(s) 1-5 of the TTC7A gene. This region includes the initiator codon of the gene. This copy number gain extends beyond the assayed region for this gene and therefore may encompass additional genes. As the precise location of this event is unknown, it may be in tandem or it may be located elsewhere in the genome.